The following is an entry in ClinVar:

ClinVar aggregate classification (germline): Uncertain significance (1 of 4 stars; one submission).

Conditions:
Neurofibromatosis, type 1 (NF1). Also called: Neurofibromatosis, type I; VON RECKLINGHAUSEN DISEASE; NEUROFIBROMATOSIS, TYPE I, SOMATIC; Peripheral type neurofibromatosis. Identifiers: Orphanet 636, MedGen C0027831, MONDO:0018975, OMIM 162200. Disease mechanism: loss of function.

Allele frequency attached by ClinVar (database versions not stated): gnomAD exomes below 0.00001.
gnomAD v4.1: 1 of 1,614,160 alleles (0.000062%); highest among the groups gnomAD compares: Non-Finnish European, 0.000085%; no homozygotes.

Submission:

Labcorp Genetics (formerly Invitae), Labcorp
Classification: Uncertain significance for Neurofibromatosis, type 1. Last evaluated: 2023-02-23. Review status: criteria provided, single submitter. Criteria: Invitae Variant Classification Sherloc (09022015). Collection method: clinical testing. Allele origin: germline.
Comment: In summary, the available evidence is currently insufficient to determine the role of this variant in disease. Therefore, it has been classified as a Variant of Uncertain Significance. Advanced modeling of protein sequence and biophysical properties (such as structural, functional, and spatial information, amino acid conservation, physicochemical variation, residue mobility, and thermodynamic stability) performed at Invitae indicates that this missense variant is expected to disrupt NF1 protein function. This variant has not been reported in the literature in individuals affected with NF1-related conditions. This variant is not present in population databases (gnomAD no frequency). This sequence change replaces valine, which is neutral and non-polar, with leucine, which is neutral and non-polar, at codon 1621 of the NF1 protein (p.Val1621Leu).

NM_001042492.3(NF1):c.4924G>T (p.Val1642Leu)

Gene: NF1 (neurofibromin 1; plus strand). Cytogenetic location: 17q11.2.
Variant type: single nucleotide variant.
Coding change: c.4924G>T on transcript NM_001042492.3 (MANE Select); coding-DNA position 4924, G replaced by T.
Protein change: p.Val1642Leu; replaces valine 1642 with leucine.
Molecular consequence: missense variant.
Genome position (GRCh38, 1-based): chr17:31,325,908, G>T. VCF-style: chr17-31325908-G-T. GRCh37 (hg19) VCF-style: chr17-29652926-G-T.
Other names: c.4861G>T, p.Val1621Leu (NM_000267.4); short protein forms V1642L, V1621L.
Identifiers: ClinVar variation 2840271 (VCV002840271.3), dbSNP rs2151537778, ClinGen allele CA399007122.